The following is an entry in ClinVar:

ClinVar aggregate classification (germline): Uncertain significance (1 of 4 stars; one submission).

Conditions:
Hypertrophic cardiomyopathy. Also called: HYPERTROPHIC MYOCARDIOPATHY. Identifiers: Orphanet 217569, MedGen C0007194, MeSH D002312, MONDO:0005045, HP:0001639.

Submission:

Labcorp Genetics (formerly Invitae), Labcorp
Classification: Uncertain significance for Hypertrophic cardiomyopathy. Last evaluated: 2023-05-22. Review status: criteria provided, single submitter. Criteria: Invitae Variant Classification Sherloc (09022015). Collection method: clinical testing. Allele origin: unknown.
Comment: Experimental studies and prediction algorithms are not available or were not evaluated, and the functional significance of this variant is currently unknown. In summary, the available evidence is currently insufficient to determine the role of this variant in disease. Therefore, it has been classified as a Variant of Uncertain Significance. This variant has not been reported in the literature in individuals affected with MYBPC3-related conditions. This variant results in a copy number gain of the genomic region encompassing exon(s) 1-12 of the MYBPC3 gene. This region includes the initiator codon of the gene. This copy number gain extends beyond the assayed region for this gene and therefore may encompass additional genes. As the precise location of this event is unknown, it may be in tandem or it may be located elsewhere in the genome.

NC_000011.9:g.(?_47367738)_(47374198_?)dup

Gene: MYBPC3 (myosin binding protein C3; minus strand). Cytogenetic location: 11p11.2.
Variant type: Duplication.
Identifiers: ClinVar variation 3244526 (VCV003244526.1).